The following is an entry in ClinVar:

NM_006904.7(PRKDC):c.7565G>A (p.Arg2522Gln)

Gene: PRKDC (protein kinase, DNA-activated, catalytic subunit; minus strand). Cytogenetic location: 8q11.21.
Variant type: single nucleotide variant.
Coding change: c.7565G>A on transcript NM_006904.7 (MANE Select); coding-DNA position 7565, G replaced by A.
Protein change: p.Arg2522Gln; replaces arginine 2522 with glutamine.
Molecular consequence: missense variant.
Genome position (GRCh38, 1-based): chr8:47,837,408, C>T on the plus strand (G>A on the coding strand, the complement: PRKDC is on the minus strand). VCF-style: chr8-47837408-C-T. GRCh37 (hg19) VCF-style: chr8-48749969-C-T.
Other names: c.7565G>A, p.Arg2522Gln (NM_001081640.2); short protein forms R2522Q.
Identifiers: ClinVar variation 1417359 (VCV001417359.5), dbSNP rs773817275, ClinGen allele CA4740074.

ClinVar aggregate classification (germline): Uncertain significance (1 of 4 stars; one submission).

Conditions:
Severe combined immunodeficiency due to DNA-PKcs deficiency. Also called: IMMUNODEFICIENCY 26 WITH NEUROLOGIC ABNORMALITIES; Immunodeficiency 26 with or without neurologic abnormalities. Identifiers: Orphanet 317425, MedGen C4014833, MONDO:0014423, OMIM 615966.

Allele frequency attached by ClinVar (database versions not stated): gnomAD 0.00001 and 0.00002; gnomAD exomes 0.00001 and 0.00002; TOPMed 0.00002; ExAC 0.00003.
gnomAD v4.1: 20 of 1,604,782 alleles (0.0012%); highest among the groups gnomAD compares: Middle Eastern, 0.017%; no homozygotes.

Submission:

Labcorp Genetics (formerly Invitae), Labcorp
Classification: Uncertain significance for Severe combined immunodeficiency due to DNA-PKcs deficiency. Last evaluated: 2023-10-14. Review status: criteria provided, single submitter. Criteria: Invitae Variant Classification Sherloc (09022015). Collection method: clinical testing. Allele origin: germline.
Comment: This sequence change replaces arginine, which is basic and polar, with glutamine, which is neutral and polar, at codon 2522 of the PRKDC protein (p.Arg2522Gln). This variant is present in population databases (rs773817275, gnomAD 0.005%). This variant has not been reported in the literature in individuals affected with PRKDC-related conditions. ClinVar contains an entry for this variant (Variation ID: 1417359). Advanced modeling of protein sequence and biophysical properties (such as structural, functional, and spatial information, amino acid conservation, physicochemical variation, residue mobility, and thermodynamic stability) has been performed at Invitae for this missense variant, however the output from this modeling did not meet the statistical confidence thresholds required to predict the impact of this variant on PRKDC protein function. In summary, the available evidence is currently insufficient to determine the role of this variant in disease. Therefore, it has been classified as a Variant of Uncertain Significance.